The following is an entry in ClinVar:

NM_148960.3(CLDN19):c.626+75C>G

Gene: CLDN19 (claudin 19; minus strand). Cytogenetic location: 1p34.2.
Variant type: single nucleotide variant.
Coding change: c.626+75C>G on transcript NM_148960.3 (MANE Select); 75 bases into the intron after coding-DNA position 626, C replaced by G.
Molecular consequence: intron variant. On other transcripts: 3 prime UTR variant (1), missense variant (1).
Genome position (GRCh38, 1-based): chr1:42,735,803, G>C on the plus strand (C>G on the coding strand, the complement: CLDN19 is on the minus strand). VCF-style: chr1-42735803-G-C. GRCh37 (hg19) VCF-style: chr1-43201474-G-C.
Other names: c.*65C>G (NM_001123395.2); c.616C>G, p.Gln206Glu (NM_001185117.2); short protein forms Q206E.
Identifiers: ClinVar variation 1284899 (VCV001284899.18), dbSNP rs199656937, ClinGen allele CA801319.
Genomic context (GRCh38, chr1:42,735,803, plus strand): 5'-GACAAGCTGCTCAGAGCACCTATGCCCATCCTATGCCCCAGTGGCCCTGCCCAGGGTGCT[G>C]CGAGGCTGGCTGGATGCTGGGCAAGGGGGCCACTGGGTGGGGGGCTGGCCAGGGCAGGCG-3'

ClinVar aggregate classification (germline): Likely benign. Review status: criteria provided, multiple submitters, no conflicts (2 of 4 stars). 6 submissions from 6 submitters: Likely benign (4). 2 of the submissions do not count toward it. Last evaluated 2026-07-01.

Conditions:
Renal hypomagnesemia 5 with ocular involvement. Also called: HYPOMAGNESEMIA, FAMILIAL, WITH HYPERCALCIURIA, NEPHROCALCINOSIS, AND SEVERE OCULAR INVOLVEMENT; MACULAR COLOBOMA, BILATERAL, WITH HYPERCALCIURIA; HYPOMAGNESEMIA 5, RENAL, WITH OR WITHOUT OCULAR INVOLVEMENT; FHHNC WITH SEVERE OCULAR INVOLVEMENT. Identifiers: Orphanet 2196, MedGen C4721891, MONDO:0009548, OMIM 248190.

Allele frequency attached by ClinVar (database versions not stated): 1000 Genomes Project 30x 0.00078; 1000 Genomes Project 0.00080; gnomAD 0.00170 and 0.00173; TOPMed 0.00171; gnomAD exomes 0.00243 and 0.00309; ExAC 0.00393.
gnomAD v4.1: 4,592 of 1,547,370 alleles (0.3%); highest among the groups gnomAD compares: Middle Eastern, 1.1%; 12 homozygotes.

Submissions (6):

CeGaT Center for Human Genetics Tuebingen
Classification: Likely benign. Last evaluated: 2026-07-01. Review status: criteria provided, single submitter. Criteria: CeGaT Center For Human Genetics Tuebingen Variant Classification Criteria Version 2. Collection method: clinical testing. Allele origin: germline. Affected: yes. Observed: 3 variant alleles.
Comment: CLDN19: BP4, BS2

Blueprint Genetics
Classification: Likely benign. Last evaluated: 2024-11-21. Review status: criteria provided, single submitter. Criteria: ACMG Guidelines, 2015. Collection method: clinical testing. Allele origin: germline.

Department of Pathology and Laboratory Medicine, Sinai Health System
Classification: Likely benign for renal hypomagnesemia 5 with ocular involvement. Last evaluated: 2021-12-16. Review status: criteria provided, single submitter. Criteria: ACMG Guidelines, 2015. Collection method: research. Allele origin: germline.

Breakthrough Genomics
Classification: Likely benign. Review status: criteria provided, single submitter. Criteria: ACMG Guidelines, 2015. Collection method: not provided. Allele origin: germline. Inheritance: Autosomal recessive inheritance. Affected: yes.

Clinical Genetics DNA and cytogenetics Diagnostics Lab, Erasmus MC, Erasmus Medical Center
Classification: Likely benign. Review status: no assertion criteria provided. Collection method: clinical testing. Allele origin: germline. Affected: yes. Study: VKGL Data-share Consensus. Not counted in ClinVar's aggregate classification.

Genome Diagnostics Laboratory, University Medical Center Utrecht
Classification: Likely benign. Review status: no assertion criteria provided. Collection method: clinical testing. Allele origin: germline. Affected: yes. Study: VKGL Data-share Consensus. Not counted in ClinVar's aggregate classification.